The following is an entry in ClinVar:

ClinVar aggregate classification (germline): Uncertain significance. Review status: criteria provided, multiple submitters, no conflicts (2 of 4 stars). 2 submissions from 2 submitters: Uncertain significance (2). Last evaluated 2025-02-07.

Conditions:
Inborn genetic diseases. Identifiers: MedGen C0950123, MeSH D030342.

Allele frequency attached by ClinVar (database versions not stated): ExAC 0.00002.
gnomAD v4.1: 5 of 1,614,082 alleles (0.00031%); highest among the groups gnomAD compares: South Asian, 0.0033%; no homozygotes.

Submissions (2):

Ambry Genetics
Classification: Uncertain significance for Inborn genetic diseases. Last evaluated: 2025-02-07. Review status: criteria provided, single submitter. Criteria: Ambry Variant Classification Scheme 2023. Collection method: clinical testing. Allele origin: germline.

GeneDx
Classification: Uncertain significance. Last evaluated: 2022-10-05. Review status: criteria provided, single submitter. Criteria: GeneDx Variant Classification Process June 2021. Collection method: clinical testing. Allele origin: germline. Affected: yes.
Comment: Not observed at significant frequency in large population cohorts (gnomAD); In silico analysis supports that this missense variant does not alter protein structure/function; Has not been previously published as pathogenic or benign to our knowledge

NM_014844.5(TECPR2):c.3235A>G (p.Ser1079Gly)

Gene: TECPR2 (tectonin beta-propeller repeat containing 2; plus strand). Cytogenetic location: 14q32.31.
Variant type: single nucleotide variant.
Coding change: c.3235A>G on transcript NM_014844.5 (MANE Select); coding-DNA position 3235, A replaced by G.
Protein change: p.Ser1079Gly; replaces serine 1079 with glycine.
Molecular consequence: missense variant.
Genome position (GRCh38, 1-based): chr14:102,449,788, A>G. VCF-style: chr14-102449788-A-G. GRCh37 (hg19) VCF-style: chr14-102916125-A-G.
Other names: c.3235A>G, p.Ser1079Gly (NM_001172631.3); short protein forms S1079G.
Identifiers: ClinVar variation 2497776 (VCV002497776.2), dbSNP rs760385870, ClinGen allele CA7358163.